The following is an entry in ClinVar:

NM_020338.4(ZMIZ1):c.1876G>A (p.Ala626Thr)

Gene: ZMIZ1 (zinc finger MIZ-type containing 1; plus strand). Cytogenetic location: 10q22.3.
Variant type: single nucleotide variant.
Coding change: c.1876G>A on transcript NM_020338.4 (MANE Select); coding-DNA position 1876, G replaced by A.
Protein change: p.Ala626Thr; replaces alanine 626 with threonine.
Molecular consequence: missense variant.
Genome position (GRCh38, 1-based): chr10:79,300,799, G>A. VCF-style: chr10-79300799-G-A. GRCh37 (hg19) VCF-style: chr10-81060556-G-A.
Other names: short protein forms A626T.
Identifiers: ClinVar variation 1975151 (VCV001975151.5), dbSNP rs541477708, ClinGen allele CA5572837.

ClinVar aggregate classification (germline): Uncertain significance (1 of 4 stars; one submission).

Allele frequency attached by ClinVar (database versions not stated): TOPMed 0.00002; 1000 Genomes Project 30x 0.00016; 1000 Genomes Project 0.00020.
gnomAD v4.1: 40 of 1,613,938 alleles (0.0025%); highest among the groups gnomAD compares: Non-Finnish European, 0.0013%; no homozygotes.

Submission:

Labcorp Genetics (formerly Invitae), Labcorp
Classification: Uncertain significance. Last evaluated: 2022-06-01. Review status: criteria provided, single submitter. Criteria: Invitae Variant Classification Sherloc (09022015). Collection method: clinical testing. Allele origin: germline.
Comment: This variant is present in population databases (rs541477708, gnomAD 0.03%). This sequence change replaces alanine, which is neutral and non-polar, with threonine, which is neutral and polar, at codon 626 of the ZMIZ1 protein (p.Ala626Thr). This variant has not been reported in the literature in individuals affected with ZMIZ1-related conditions. In summary, the available evidence is currently insufficient to determine the role of this variant in disease. Therefore, it has been classified as a Variant of Uncertain Significance. Algorithms developed to predict the effect of missense changes on protein structure and function are either unavailable or do not agree on the potential impact of this missense change (SIFT: "Tolerated"; PolyPhen-2: "Probably Damaging"; Align-GVGD: "Class C0").